The following is an entry in ClinVar:

NM_000044.6(AR):c.2669T>C (p.Val890Ala)

Gene: AR (androgen receptor; plus strand). Cytogenetic location: Xq12.
Variant type: single nucleotide variant.
Coding change: c.2669T>C on transcript NM_000044.6 (MANE Select); coding-DNA position 2669, T replaced by C.
Protein change: p.Val890Ala; replaces valine 890 with alanine.
Molecular consequence: missense variant.
Genome position (GRCh38, 1-based): chrX:67,723,747, T>C. VCF-style: chrX-67723747-T-C. GRCh37 (hg19) VCF-style: chrX-66943589-T-C.
Other names: c.1073T>C, p.Val358Ala (NM_001011645.3); short protein forms V358A, V890A.
Identifiers: ClinVar variation 3756175 (VCV003756175.2).

ClinVar aggregate classification (germline): Uncertain significance (1 of 4 stars; one submission).

Conditions:
Kennedy disease (SMAX1). Also called: SPINAL AND BULBAR MUSCULAR ATROPHY, X-LINKED 1; KENNEDY SPINAL AND BULBAR MUSCULAR ATROPHY; Spinal and Bulbar Muscular Atrophy. Identifiers: Orphanet 481, MedGen C1839259, MONDO:0010735, OMIM 313200.
Androgen resistance syndrome (AIS). Also called: ANDROGEN RECEPTOR DEFICIENCY; DIHYDROTESTOSTERONE RECEPTOR DEFICIENCY; TESTICULAR FEMINIZATION SYNDROME; Androgen insensitivity syndrome; Androgen insensitivity; DHTR DEFICIENCY. Identifiers: Orphanet 754, Orphanet 99429, MedGen C0039585, MONDO:0019154, OMIM 300068. Disease mechanism: loss of function.

Submission:

Labcorp Genetics (formerly Invitae), Labcorp
Classification: Uncertain significance for Kennedy disease; Androgen resistance syndrome. Last evaluated: 2024-05-04. Review status: criteria provided, single submitter. Criteria: Invitae Variant Classification Sherloc (09022015). Collection method: clinical testing. Allele origin: germline.
Comment: This sequence change replaces valine, which is neutral and non-polar, with alanine, which is neutral and non-polar, at codon 890 of the AR protein (p.Val890Ala). This variant is not present in population databases (gnomAD no frequency). This missense change has been observed in individual(s) with androgen insensitivity syndrome (Invitae). Advanced modeling of protein sequence and biophysical properties (such as structural, functional, and spatial information, amino acid conservation, physicochemical variation, residue mobility, and thermodynamic stability) has been performed at Invitae for this missense variant, however the output from this modeling did not meet the statistical confidence thresholds required to predict the impact of this variant on AR protein function. This variant disrupts the p.Val890 amino acid residue in AR. Other variant(s) that disrupt this residue have been determined to be pathogenic (PMID: 10690872, 14974091, 15925895, 20150575, 24737579). This suggests that this residue is clinically significant, and that variants that disrupt this residue are likely to be disease-causing. In summary, the available evidence is currently insufficient to determine the role of this variant in disease. Therefore, it has been classified as a Variant of Uncertain Significance.

Literature cited by the submitters: PubMed 10690872; PubMed 14974091; PubMed 15925895; PubMed 20150575; PubMed 24737579.